The following is an entry in ClinVar:

NM_153676.4(USH1C):c.2441C>A (p.Thr814Asn)

Gene: USH1C (USH1 protein network component harmonin; minus strand). Cytogenetic location: 11p15.1.
Variant type: single nucleotide variant.
Coding change: c.2441C>A on transcript NM_153676.4 (MANE Select); coding-DNA position 2441, C replaced by A.
Protein change: p.Thr814Asn; replaces threonine 814 with asparagine.
Molecular consequence: missense variant. On other transcripts: non-coding transcript variant (1).
Genome position (GRCh38, 1-based): chr11:17,498,211, G>T on the plus strand (C>A on the coding strand, the complement: USH1C is on the minus strand). VCF-style: chr11-17498211-G-T. GRCh37 (hg19) VCF-style: chr11-17519758-G-T.
Other names: c.1484C>A, p.Thr495Asn (NM_001297764.2); c.1541C>A, p.Thr514Asn (NM_005709.4); short protein forms T514N, T814N, T495N.
Identifiers: ClinVar variation 48002 (VCV000048002.17), dbSNP rs397517877, ClinGen allele CA142344.

ClinVar aggregate classification (germline): Uncertain significance. Review status: criteria provided, multiple submitters, no conflicts (2 of 4 stars). 8 submissions from 8 submitters: Uncertain significance (6). 2 of the submissions do not count toward it. Last evaluated 2025-02-12.

Conditions:
USH1C-related disorder. Also called: USH1C-related condition.
Inborn genetic diseases. Identifiers: MedGen C0950123, MeSH D030342.
Autosomal recessive nonsyndromic hearing loss 18A. Also called: DEAFNESS, AUTOSOMAL RECESSIVE 18; Deafness, autosomal recessive 18A. Identifiers: Orphanet 90636, MedGen C1865870, MONDO:0011192, OMIM 602092.
Usher syndrome type 1C. Also called: USHER SYNDROME, TYPE I, ACADIAN VARIETY. Identifiers: Orphanet 231169, Orphanet 886, MedGen C1848604, MONDO:0010171, OMIM 276904.

Allele frequency attached by ClinVar (database versions not stated): gnomAD 0.00004; TOPMed 0.00004; gnomAD exomes 0.00008 and 0.00017; ExAC 0.00010.
gnomAD v4.1: 251 of 1,614,072 alleles (0.016%); highest among the groups gnomAD compares: Non-Finnish European, 0.02%; no homozygotes.

Submissions (8):

PreventionGenetics, part of Exact Sciences
Classification: Uncertain significance for USH1C-related condition. Last evaluated: 2025-02-12. Review status: criteria provided, single submitter. Criteria: ACMG Guidelines, 2015. Collection method: clinical testing. Allele origin: germline.
Comment: The USH1C c.2441C>A variant is predicted to result in the amino acid substitution p.Thr814Asn. To our knowledge, this variant has not been reported in the literature. This variant is reported in 0.018% of alleles in individuals of European (Non-Finnish) descent in gnomAD. At this time, the clinical significance of this variant is uncertain due to the absence of conclusive functional and genetic evidence.

Ambry Genetics
Classification: Uncertain significance for Inborn genetic diseases. Last evaluated: 2024-03-21. Review status: criteria provided, single submitter. Criteria: Ambry Variant Classification Scheme 2023. Collection method: clinical testing. Allele origin: germline.

GeneDx
Classification: Uncertain significance. Last evaluated: 2022-08-15. Review status: criteria provided, single submitter. Criteria: GeneDx Variant Classification Process June 2021. Collection method: clinical testing. Allele origin: germline. Affected: yes.
Comment: In silico analysis supports that this missense variant does not alter protein structure/function; Has not been previously published as pathogenic or benign to our knowledge

Labcorp Genetics (formerly Invitae), Labcorp
Classification: Uncertain significance. Last evaluated: 2022-07-03. Review status: criteria provided, single submitter. Criteria: Invitae Variant Classification Sherloc (09022015). Collection method: clinical testing. Allele origin: germline.
Comment: This sequence change replaces threonine, which is neutral and polar, with asparagine, which is neutral and polar, at codon 514 of the USH1C protein (p.Thr514Asn). This variant is present in population databases (rs397517877, gnomAD 0.02%). This variant has not been reported in the literature in individuals affected with USH1C-related conditions. ClinVar contains an entry for this variant (Variation ID: 48002). Algorithms developed to predict the effect of missense changes on protein structure and function (SIFT, PolyPhen-2, Align-GVGD) all suggest that this variant is likely to be tolerated. In summary, the available evidence is currently insufficient to determine the role of this variant in disease. Therefore, it has been classified as a Variant of Uncertain Significance.

Illumina Laboratory Services, Illumina
Classification: Uncertain significance for Usher syndrome type 1C. Last evaluated: 2018-01-12. Review status: criteria provided, single submitter. Criteria: ICSL Variant Classification Criteria 13 December 2019. Collection method: clinical testing. Allele origin: germline.

Laboratory for Molecular Medicine, Mass General Brigham Personalized Medicine
Classification: Uncertain significance. Last evaluated: 2017-10-24. Review status: criteria provided, single submitter. Criteria: LMM Criteria. Collection method: clinical testing. Allele origin: germline. Observed: 4 variant alleles.
Comment: The p.Thr814Asn variant in USH1C has been previously reported by our laboratory in the heterozygous state in two individuals with hearing loss, including one wi th an alternate etiology. In addition, this variant has been identified in 0.018 % (23/126690) European chromosomes by the Genome Aggregation Database (gnomAD; dbSNP rs397517877). Although this variant has b een seen in the general population, its frequency is not high enough to rule out a pathogenic role. Computational prediction tools and conservation analyses do not provide strong support for or against an impact to the protein. In summary, the clinical significance of the p.Thr814Asn variant is uncertain. ACMG/AMP Crit eria applied: BP5 (Richards 2015).

Natera, Inc.
Classification: Uncertain significance for Usher syndrome type 1C. Last evaluated: 2020-03-03. Review status: no assertion criteria provided. Collection method: clinical testing. Allele origin: germline. Not counted in ClinVar's aggregate classification.

Counsyl
Classification: Uncertain significance for Usher syndrome type 1C; Autosomal recessive nonsyndromic hearing loss 18A. Last evaluated: 2017-09-28. Review status: no assertion criteria provided. Collection method: clinical testing. Allele origin: unknown. Not counted in ClinVar's aggregate classification.